The following is an entry in ClinVar:

NM_032578.4(MYPN):c.2164C>G (p.Arg722Gly)

Gene: MYPN (myopalladin; plus strand). Cytogenetic location: 10q21.3.
Variant type: single nucleotide variant.
Coding change: c.2164C>G on transcript NM_032578.4 (MANE Select); coding-DNA position 2164, C replaced by G.
Protein change: p.Arg722Gly; replaces arginine 722 with glycine.
Molecular consequence: missense variant. On other transcripts: non-coding transcript variant (2).
Genome position (GRCh38, 1-based): chr10:68,174,256, C>G. VCF-style: chr10-68174256-C-G. GRCh37 (hg19) VCF-style: chr10-69934013-C-G.
Other names: c.2164C>G, p.Arg722Gly (NM_001256267.2); c.1282C>G, p.Arg428Gly (NM_001256268.2); short protein forms R428G, R722G.
Identifiers: ClinVar variation 1306176 (VCV001306176.9), dbSNP rs749716608, ClinGen allele CA376845009.

ClinVar aggregate classification (germline): Uncertain significance. Review status: criteria provided, multiple submitters, no conflicts (2 of 4 stars). 3 submissions from 3 submitters: Uncertain significance (3). Last evaluated 2022-09-13.

Conditions:
Cardiovascular phenotype. Identifiers: MedGen CN230736.
Dilated cardiomyopathy 1KK (CMD1KK). Identifiers: Orphanet 154, Orphanet 75249, MedGen C3714995, MONDO:0014100, OMIM 615248.

gnomAD v4.1: 5 of 1,614,136 alleles (0.00031%); highest among the groups gnomAD compares: Admixed American, 0.0083%; no homozygotes.

Submissions (3):

Labcorp Genetics (formerly Invitae), Labcorp
Classification: Uncertain significance for Dilated cardiomyopathy 1KK. Last evaluated: 2022-09-13. Review status: criteria provided, single submitter. Criteria: Invitae Variant Classification Sherloc (09022015). Collection method: clinical testing. Allele origin: germline.
Comment: In summary, the available evidence is currently insufficient to determine the role of this variant in disease. Therefore, it has been classified as a Variant of Uncertain Significance. Algorithms developed to predict the effect of missense changes on protein structure and function are either unavailable or do not agree on the potential impact of this missense change (SIFT: "Deleterious"; PolyPhen-2: "Benign"; Align-GVGD: "Class C65"). ClinVar contains an entry for this variant (Variation ID: 1306176). This variant has not been reported in the literature in individuals affected with MYPN-related conditions. This variant is present in population databases (no rsID available, gnomAD 0.01%). This sequence change replaces arginine, which is basic and polar, with glycine, which is neutral and non-polar, at codon 722 of the MYPN protein (p.Arg722Gly).

Ambry Genetics
Classification: Uncertain significance for Cardiovascular phenotype. Last evaluated: 2022-05-02. Review status: criteria provided, single submitter. Criteria: Ambry Variant Classification Scheme 2023. Collection method: clinical testing. Allele origin: germline.
Comment: The p.R722G variant (also known as c.2164C>G), located in coding exon 10 of the MYPN gene, results from a C to G substitution at nucleotide position 2164. The arginine at codon 722 is replaced by glycine, an amino acid with dissimilar properties. This amino acid position is conserved. In addition, this alteration is predicted to be deleterious by in silico analysis. Since supporting evidence is limited at this time, the clinical significance of this alteration remains unclear.

GeneDx
Classification: Uncertain significance. Last evaluated: 2019-05-24. Review status: criteria provided, single submitter. Criteria: GeneDx Variant Classification Process June 2021. Collection method: clinical testing. Allele origin: germline. Affected: yes.
Comment: Has not been previously published as pathogenic or benign to our knowledge; Not observed at a significant frequency in large population cohorts (Lek et al., 2016); In silico analysis, which includes protein predictors and evolutionary conservation, supports a deleterious effect